The following is an entry in ClinVar:

NM_015335.5(MED13L):c.4312T>A (p.Phe1438Ile)

Gene: MED13L (mediator complex subunit 13L; minus strand). Cytogenetic location: 12q24.21.
Variant type: single nucleotide variant.
Coding change: c.4312T>A on transcript NM_015335.5 (MANE Select); coding-DNA position 4312, T replaced by A.
Protein change: p.Phe1438Ile; replaces phenylalanine 1438 with isoleucine.
Molecular consequence: missense variant.
Genome position (GRCh38, 1-based): chr12:115,986,292, A>T on the plus strand (T>A on the coding strand, the complement: MED13L is on the minus strand). VCF-style: chr12-115986292-A-T. GRCh37 (hg19) VCF-style: chr12-116424097-A-T.
Other names: short protein forms F1438I.
Identifiers: ClinVar variation 5005043 (VCV005005043.2).

ClinVar aggregate classification (germline): Uncertain significance (1 of 4 stars; one submission).

Conditions:
Cardiac anomalies - developmental delay - facial dysmorphism syndrome (MRFACD). Also called: MED13L Syndrome; Impaired intellectual development and distinctive facial features with or without cardiac defects. Identifiers: Orphanet 369891, MedGen C5192431, MONDO:0014773, OMIM 616789.

Submission:

Juno Genomics, Hangzhou Juno Genomics, Inc
Classification: Uncertain significance for Cardiac anomalies - developmental delay - facial dysmorphism syndrome. Review status: criteria provided, single submitter. Criteria: ACMG Guidelines, 2015. Collection method: clinical testing. Allele origin: germline.
Comment: Missense variant in a gene that has a low rate of benign missense variation.;Multiple lines of computational evidence support a deleterious effect on the gene or gene product.;Absent from controls (or at extremely low frequency if recessive) in Genome Aggregation Database.